The following is an entry in ClinVar:

ClinVar aggregate classification (germline): Uncertain significance (1 of 4 stars; one submission).

Allele frequency attached by ClinVar (database versions not stated): gnomAD exomes 0.00003; ExAC 0.00007; ESP Exome Variant Server 0.00008; gnomAD 0.00010; TOPMed 0.00019.
gnomAD v4.1: 62 of 1,613,952 alleles (0.0038%); highest among the groups gnomAD compares: Admixed American, 0.037%; no homozygotes.

Submission:

Labcorp Genetics (formerly Invitae), Labcorp
Classification: Uncertain significance. Last evaluated: 2023-01-19. Review status: criteria provided, single submitter. Criteria: Invitae Variant Classification Sherloc (09022015). Collection method: clinical testing. Allele origin: germline.
Comment: Algorithms developed to predict the effect of missense changes on protein structure and function output the following: SIFT: "Not Available"; PolyPhen-2: "Benign"; Align-GVGD: "Not Available". The alanine amino acid residue is found in multiple mammalian species, which suggests that this missense change does not adversely affect protein function. This variant has not been reported in the literature in individuals affected with EGF-related conditions. This variant is present in population databases (rs375529575, gnomAD 0.03%). This sequence change replaces valine, which is neutral and non-polar, with alanine, which is neutral and non-polar, at codon 1114 of the EGF protein (p.Val1114Ala). In summary, the available evidence is currently insufficient to determine the role of this variant in disease. Therefore, it has been classified as a Variant of Uncertain Significance.

NM_001963.6(EGF):c.3341T>C (p.Val1114Ala)

Gene: EGF (epidermal growth factor; plus strand). Cytogenetic location: 4q25.
Variant type: single nucleotide variant.
Coding change: c.3341T>C on transcript NM_001963.6 (MANE Select); coding-DNA position 3341, T replaced by C.
Protein change: p.Val1114Ala; replaces valine 1114 with alanine.
Molecular consequence: missense variant. On other transcripts: intron variant (1).
Genome position (GRCh38, 1-based): chr4:110,008,201, T>C. VCF-style: chr4-110008201-T-C. GRCh37 (hg19) VCF-style: chr4-110929357-T-C.
Other names: c.3218T>C, p.Val1073Ala (NM_001178130.3); c.3215T>C, p.Val1072Ala (NM_001178131.3); c.2923-3001T>C (NM_001357021.2); short protein forms V1072A, V1073A, V1114A.
Identifiers: ClinVar variation 2965125 (VCV002965125.3), dbSNP rs375529575, ClinGen allele CA3044250.